The following is an entry in ClinVar:

ClinVar aggregate classification (germline): Conflicting classifications of pathogenicity. Review status: criteria provided, conflicting classifications (1 of 4 stars). 6 submissions from 6 submitters: Uncertain significance (1); Likely benign (3). 2 of the submissions do not count toward it. Last evaluated 2026-01-25.

Conditions:
Intellectual disability. Also called: Intellectual functioning disability; intellectual disabilities; Intellectual developmental disorder. Identifiers: MedGen C3714756, MeSH D008607, MONDO:0001071, HP:0001249.
HYPERHOMOCYSTEINEMIA, THROMBOTIC, CBS-RELATED. Identifiers: MedGen C3150344, OMIM 236200.
Classic homocystinuria. Also called: Homocystinuria due to Cystathionine Beta-Synthase Deficiency; Homocystinuria due to CBS deficiency; Cystathionine beta-synthase deficiency; CBS deficiency; HOMOCYSTINURIA WITH OR WITHOUT RESPONSE TO PYRIDOXINE. Identifiers: Orphanet 394, MedGen C0751202, MONDO:0009352, OMIM 236200.

Submissions (7):

Labcorp Genetics (formerly Invitae), Labcorp
Classification: Likely benign for HYPERHOMOCYSTEINEMIA, THROMBOTIC, CBS-RELATED. Last evaluated: 2026-01-25. Review status: criteria provided, single submitter. Criteria: Invitae Variant Classification Sherloc (09022015). Collection method: clinical testing. Allele origin: germline.

Women's Health and Genetics/Laboratory Corporation of America, LabCorp
Classification: Likely benign. Last evaluated: 2025-04-21. Review status: criteria provided, single submitter. Criteria: LabCorp Variant Classification Summary - May 2015. Collection method: clinical testing. Allele origin: germline.
Comment: Variant summary: CBS c.667-10_667-7delTTCT alters a nucleotide located at a position not widely known to affect splicing. Consensus agreement among computation tools predict no significant impact on normal splicing (SpliceAI). However, these predictions have yet to be confirmed by functional studies. The variant allele was found at a frequency of 0.00014 in 251350 control chromosomes. This frequency is not significantly higher than estimated for a pathogenic variant in CBS causing Homocystinuria (0.00014 vs 0.003), allowing no conclusion about variant significance. To our knowledge, no occurrence of c.667-10_667-7delTTCT in individuals affected with Homocystinuria and no experimental evidence demonstrating its impact on protein function have been reported. ClinVar contains an entry for this variant (Variation ID: 405377). Based on the evidence outlined above, the variant was classified as likely benign.

ARUP Laboratories, Molecular Genetics and Genomics, ARUP Laboratories
Classification: Uncertain significance. Last evaluated: 2020-10-13. Review status: criteria provided, single submitter. Criteria: ARUP Molecular Germline Variant Investigation Process 2021. Collection method: clinical testing. Allele origin: germline.
Comment: The CBS c.667-10_667-7delTTCT variant (rs1060500684), to our knowledge, is not reported in the medical literature but is reported in ClinVar (Variation ID: 405377). This variant is found in the African population with an overall allele frequency of 0.20% (50/24926 alleles) in the Genome Aggregation Database. This is an intronic variant that deletes four weakly-to-moderately conserved nucleotides, and computational analyses (Alamut v.2.11) predict that this variant may impact splicing by weakening the nearby canonical acceptor splice site. However, RNA studies would be required to confirm an effect on splicing. Given the lack of clinical and functional data, the significance of the c.667-10_667-7delTTCT variant is uncertain at this time.

GeneDx
Classification: Likely benign. Last evaluated: 2016-12-06. Review status: criteria provided, single submitter. Criteria: GeneDx Variant Classification (06012015). Collection method: clinical testing. Allele origin: germline. Affected: yes.
Comment: This variant is considered likely benign or benign based on one or more of the following criteria: it is a conservative change, it occurs at a poorly conserved position in the protein, it is predicted to be benign by multiple in silico algorithms, and/or has population frequency not consistent with disease.

Natera, Inc.
Classification: Likely benign for Homocystinuria due to cystathionine beta-synthase deficiency. Last evaluated: 2020-04-29. Review status: no assertion criteria provided. Collection method: clinical testing. Allele origin: germline. Not counted in ClinVar's aggregate classification.

Centre de Biologie Pathologie Génétique, Centre Hospitalier Universitaire de Lille
Classification: Uncertain significance for Intellectual disability. Last evaluated: 2019-01-01. Review status: no assertion criteria provided. Collection method: clinical testing. Allele origin: unknown. Affected: yes. Not counted in ClinVar's aggregate classification.

Dr. Peter K. Rogan Lab, Western University
No classification provided (evidence only). Condition: Colon adenocarcinoma. Review status: no classification provided. Collection method: in vitro. Allele origin: not applicable. Functional consequence: skipped exon. Not counted in ClinVar's aggregate classification.

NM_000071.3(CBS):c.667-10_667-7del

Gene: CBS (cystathionine beta-synthase; minus strand). Cytogenetic location: 21q22.3.
Variant type: Deletion.
Coding change: c.667-10_667-7del on transcript NM_000071.3 (MANE Select); 10 bases into the intron before coding-DNA position 667 through 7 bases into the intron before coding-DNA position 667, 4 bases deleted (TTCT; older notation c.667-10_667-7delTTCT).
Molecular consequence: intron variant.
Genome position (GRCh38, 1-based): chr21:43,065,279-43,065,282, AGAA deleted on the plus strand (TTCT on the coding strand, the reverse complement: CBS is on the minus strand); deleting any 4 consecutive bases within chr21:43,065,279-43,065,285 gives the same sequence; the c. name uses the placement nearest the transcript's 3' end. VCF-style (leftmost placement, unchanged base first): chr21-43065278-TAGAA-T. GRCh37 (hg19) VCF-style: chr21-44485388-TAGAA-T.
Other names: NC_000021.8:g.44485392_44485395del; c.667-10_667-7delTTCT (NM_000071.2, NM_000071.3); c.667-13_667-10del (NM_000071.3); c.667-10_667-7del (NM_001320298.2, NM_001178009.3, NM_001178008.3); c.352-10_352-7del (NM_001321072.1).
Identifiers: ClinVar variation 405377 (VCV000405377.25), dbSNP rs376011228, ClinGen allele CA325116.